The following is an entry in ClinVar:

NM_032620.4(GTPBP3):c.181G>C (p.Ala61Pro)

Gene: GTPBP3 (GTP binding protein 3, mitochondrial; plus strand). Cytogenetic location: 19p13.11.
Variant type: single nucleotide variant.
Coding change: c.181G>C on transcript NM_032620.4 (MANE Select); coding-DNA position 181, G replaced by C.
Protein change: p.Ala61Pro; replaces alanine 61 with proline.
Molecular consequence: missense variant.
Genome position (GRCh38, 1-based): chr19:17,338,135, G>C. VCF-style: chr19-17338135-G-C. GRCh37 (hg19) VCF-style: chr19-17448944-G-C.
Other names: c.181G>C, p.Ala61Pro (NM_133644.4, NM_001128855.3); c.247G>C, p.Ala83Pro (NM_001195422.1); short protein forms A83P, A61P.
Identifiers: ClinVar variation 1727255 (VCV001727255.1), dbSNP rs1474249823, ClinGen allele CA404731833.

ClinVar aggregate classification (germline): Uncertain significance (1 of 4 stars; one submission).

Conditions:
Hypertrophic cardiomyopathy. Also called: HYPERTROPHIC MYOCARDIOPATHY. Identifiers: Orphanet 217569, MedGen C0007194, MeSH D002312, MONDO:0005045, HP:0001639.

Submission:

Genetic Medico-Diagnostic Laboratory Genica
Classification: Uncertain significance for Hypertrophic cardiomyopathy. Last evaluated: 2022-10-19. Review status: criteria provided, single submitter. Criteria: ACMG Guidelines, 2015. Collection method: clinical testing. Allele origin: maternal. Inheritance: Autosomal recessive inheritance. Affected: yes. Observed: 1 compound heterozygote. Segregation with disease observed.
Comment: The variant was classified as variant of uncertain significance (VUS) according to the ACMG Guidelines, 2015. The variant was not found in the control populations from the gnomAD v2.1.1 project. In silico analysis by Polyphen-2, SIFT and Mutation-Taster predicted it as damaging, as the position is highly conserved and is located in the N-terminal domain of GTPBP3.

Literature cited by the submitters: PubMed 25434004; PubMed 34276756; PubMed 30426380; PubMed 35413567.